The following is an entry in ClinVar:

NM_024649.5(BBS1):c.1193T>C (p.Ile398Thr)

Genes: BBS1 (Bardet-Biedl syndrome 1; plus strand), ZDHHC24 (zDHHC palmitoyltransferase 24; minus strand). Cytogenetic location: 11q13.2.
Variant type: single nucleotide variant.
Coding change: c.1193T>C on transcript NM_024649.5 (MANE Select); coding-DNA position 1193, T replaced by C.
Protein change: p.Ile398Thr; replaces isoleucine 398 with threonine.
Molecular consequence: missense variant. On other transcripts: intron variant (1).
Genome position (GRCh38, 1-based): chr11:66,526,661, T>C. VCF-style: chr11-66526661-T-C. GRCh37 (hg19) VCF-style: chr11-66294132-T-C.
Other names: c.*21+275A>G (NM_001348571.2); short protein forms I398T.
Identifiers: ClinVar variation 2428145 (VCV002428145.42), dbSNP rs2495800614, ClinGen allele CA381422432.

ClinVar aggregate classification (germline): Uncertain significance (1 of 4 stars; one submission).

Conditions:
Bardet-Biedl syndrome (BBS). Identifiers: Orphanet 110, MedGen C0752166, MONDO:0015229.

Submission:

Labcorp Genetics (formerly Invitae), Labcorp
Classification: Uncertain significance for Bardet-Biedl syndrome. Last evaluated: 2022-07-03. Review status: criteria provided, single submitter. Criteria: Invitae Variant Classification Sherloc (09022015). Collection method: clinical testing. Allele origin: germline.
Comment: In summary, the available evidence is currently insufficient to determine the role of this variant in disease. Therefore, it has been classified as a Variant of Uncertain Significance. Algorithms developed to predict the effect of missense changes on protein structure and function (SIFT, PolyPhen-2, Align-GVGD) all suggest that this variant is likely to be tolerated. This variant has not been reported in the literature in individuals affected with BBS1-related conditions. This variant is not present in population databases (gnomAD no frequency). This sequence change replaces isoleucine, which is neutral and non-polar, with threonine, which is neutral and polar, at codon 398 of the BBS1 protein (p.Ile398Thr).